The following is an entry in ClinVar:

ClinVar aggregate classification (germline): Uncertain significance (1 of 4 stars; one submission).

Conditions:
Familial cancer of breast. Also called: Hereditary breast cancer; hereditary breast carcinoma; BREAST CANCER, FAMILIAL. Identifiers: Orphanet 227535, MedGen C0346153, MONDO:0016419, OMIM 114480. Disease mechanism: loss of function.

Submission:

Labcorp Genetics (formerly Invitae), Labcorp
Classification: Uncertain significance for Familial cancer of breast. Last evaluated: 2024-08-19. Review status: criteria provided, single submitter. Criteria: Invitae Variant Classification Sherloc (09022015). Collection method: clinical testing. Allele origin: germline.
Comment: This sequence change replaces lysine, which is basic and polar, with glutamine, which is neutral and polar, at codon 693 of the BARD1 protein (p.Lys693Gln). This variant is not present in population databases (gnomAD no frequency). This variant has not been reported in the literature in individuals affected with BARD1-related conditions. An algorithm developed to predict the effect of missense changes on protein structure and function (PolyPhen-2) suggests that this variant is likely to be tolerated. In summary, the available evidence is currently insufficient to determine the role of this variant in disease. Therefore, it has been classified as a Variant of Uncertain Significance.

NM_000465.4(BARD1):c.2077A>C (p.Lys693Gln)

Gene: BARD1 (BRCA1 associated RING domain 1; minus strand). Cytogenetic location: 2q35.
Variant type: single nucleotide variant.
Coding change: c.2077A>C on transcript NM_000465.4 (MANE Select); coding-DNA position 2077, A replaced by C.
Protein change: p.Lys693Gln; replaces lysine 693 with glutamine.
Molecular consequence: missense variant. On other transcripts: non-coding transcript variant (3).
Genome position (GRCh38, 1-based): chr2:214,728,933, T>G on the plus strand (A>C on the coding strand, the complement: BARD1 is on the minus strand). VCF-style: chr2-214728933-T-G. GRCh37 (hg19) VCF-style: chr2-215593657-T-G.
Other names: c.538A>C, p.Lys180Gln (NM_001282549.2); c.2020A>C, p.Lys674Gln (NM_001282543.2); c.724A>C, p.Lys242Gln (NM_001282545.2); c.667A>C, p.Lys223Gln (NM_001282548.2); short protein forms K674Q, K180Q, K693Q, K223Q, K242Q.
Identifiers: ClinVar variation 3662805 (VCV003662805.2).